The following is an entry in ClinVar:

ClinVar aggregate classification (germline): Uncertain significance. Review status: criteria provided, multiple submitters, no conflicts (2 of 4 stars). 3 submissions from 3 submitters: Uncertain significance (3). Last evaluated 2022-02-22.

Allele frequency attached by ClinVar (database versions not stated): gnomAD exomes 0.00001 and 0.00002; TOPMed 0.00001; ExAC 0.00003.
gnomAD v4.1: 28 of 1,610,522 alleles (0.0017%); highest among the groups gnomAD compares: Middle Eastern, 0.017%; no homozygotes.

Submissions (3):

Labcorp Genetics (formerly Invitae), Labcorp
Classification: Uncertain significance. Last evaluated: 2022-02-22. Review status: criteria provided, single submitter. Criteria: Invitae Variant Classification Sherloc (09022015). Collection method: clinical testing. Allele origin: germline.
Comment: This sequence change replaces threonine, which is neutral and polar, with methionine, which is neutral and non-polar, at codon 577 of the PDE6A protein (p.Thr577Met). This variant is present in population databases (rs765007196, gnomAD 0.007%). This variant has not been reported in the literature in individuals affected with PDE6A-related conditions. ClinVar contains an entry for this variant (Variation ID: 194333). Algorithms developed to predict the effect of missense changes on protein structure and function (SIFT, PolyPhen-2, Align-GVGD) all suggest that this variant is likely to be disruptive. In summary, the available evidence is currently insufficient to determine the role of this variant in disease. Therefore, it has been classified as a Variant of Uncertain Significance.

Blueprint Genetics
Classification: Uncertain significance. Last evaluated: 2022-02-21. Review status: criteria provided, single submitter. Criteria: ACMG Guidelines, 2015. Collection method: clinical testing. Allele origin: germline.

Eurofins Ntd Llc (ga)
Classification: Uncertain significance. Last evaluated: 2015-03-16. Review status: criteria provided, single submitter. Criteria: EGL Classification Definitions 2015. Collection method: clinical testing. Allele origin: germline. Observed: 1 variant allele, 1 heterozygote.

NM_000440.3(PDE6A):c.1730C>T (p.Thr577Met)

Gene: PDE6A (phosphodiesterase 6A; minus strand). Cytogenetic location: 5q32.
Variant type: single nucleotide variant.
Coding change: c.1730C>T on transcript NM_000440.3 (MANE Select); coding-DNA position 1730, C replaced by T.
Protein change: p.Thr577Met; replaces threonine 577 with methionine.
Molecular consequence: missense variant.
Genome position (GRCh38, 1-based): chr5:149,886,373, G>A on the plus strand (C>T on the coding strand, the complement: PDE6A is on the minus strand). VCF-style: chr5-149886373-G-A. GRCh37 (hg19) VCF-style: chr5-149265936-G-A.
Other names: short protein forms T577M.
Identifiers: ClinVar variation 194333 (VCV000194333.7), dbSNP rs765007196, ClinGen allele CA240237.